The following is an entry in ClinVar:

NM_000317.3(PTS):c.243_243+1dup

Gene: PTS (6-pyruvoyltetrahydropterin synthase; plus strand). Cytogenetic location: 11q23.1.
Variant type: Duplication.
Coding change: c.243_243+1dup on transcript NM_000317.3 (MANE Select); coding-DNA position 243 through the canonical splice donor site of the intron after coding-DNA position 243, 2 bases duplicated (GG; older notation c.243_243+1dupGG).
Molecular consequence: splice donor variant.
Genome position (GRCh38, 1-based): chr11:112,230,682-112,230,683, GG duplicated. VCF-style (leftmost placement, unchanged base first): chr11-112230681-A-AGG. GRCh37 (hg19) VCF-style: chr11-112101404-A-AGG.
Other names: c.243_243+1dupGG (NM_000317.2).
Identifiers: ClinVar variation 554248 (VCV000554248.12), dbSNP rs866922524, ClinGen allele CA228599356.

ClinVar aggregate classification (germline): Likely pathogenic. Review status: criteria provided, multiple submitters, no conflicts (2 of 4 stars). 4 submissions from 4 submitters: Likely pathogenic (3). 1 of the submissions does not count toward it. Last evaluated 2024-03-27.

Conditions:
6-Pyruvoyl-tetrahydrobiopterin synthase deficiency. Also called: PTS DEFICIENCY; HYPERPHENYLALANINEMIA, TETRAHYDROBIOPTERIN-DEFICIENT, DUE TO PTS DEFICIENCY; Hyperphenylalanemia, BH4-deficient, A; Hyperphenylalaninemia due to 6-pyruvoyl-tetrahydropterin synthase deficiency; 6-Pyruvoyltetrahydropterin Synthase Deficiency; BH4-deficient hyperphenylalaninemia A. Identifiers: Orphanet 13, Orphanet 238583, MedGen C0878676, MONDO:0009863, OMIM 261640.

Allele frequency attached by ClinVar (database versions not stated): gnomAD exomes below 0.00001 and 0.00001; gnomAD 0.00001 and 0.00003; TOPMed 0.00001.

Submissions (4):

Baylor Genetics
Classification: Likely pathogenic for 6-Pyruvoyl-tetrahydrobiopterin synthase deficiency. Last evaluated: 2024-03-27. Review status: criteria provided, single submitter. Criteria: ACMG Guidelines, 2015. Collection method: clinical testing. Allele origin: unknown.

Fulgent Genetics
Classification: Likely pathogenic for 6-Pyruvoyl-tetrahydrobiopterin synthase deficiency. Last evaluated: 2024-01-08. Review status: criteria provided, single submitter. Criteria: ACMG Guidelines, 2015. Collection method: clinical testing. Allele origin: germline.

Labcorp Genetics (formerly Invitae), Labcorp
Classification: Likely pathogenic for 6-Pyruvoyl-tetrahydrobiopterin synthase deficiency. Last evaluated: 2023-12-26. Review status: criteria provided, single submitter. Criteria: Invitae Variant Classification Sherloc (09022015). Collection method: clinical testing. Allele origin: germline.
Comment: This sequence change affects a splice site in intron 4 of the PTS gene. It is expected to disrupt RNA splicing. Variants that disrupt the donor or acceptor splice site typically lead to a loss of protein function (PMID: 16199547), and loss-of-function variants in PTS are known to be pathogenic (PMID: 3297709, 16917893). This variant is present in population databases (no rsID available, gnomAD 0.002%). Disruption of this splice site has been observed in individual(s) with biopterin deficient hyperphenylalanemia (PMID: 32651154). ClinVar contains an entry for this variant (Variation ID: 554248). Algorithms developed to predict the effect of sequence changes on RNA splicing suggest that this variant may disrupt the consensus splice site. In summary, the currently available evidence indicates that the variant is pathogenic, but additional data are needed to prove that conclusively. Therefore, this variant has been classified as Likely Pathogenic.

Counsyl
Classification: Likely pathogenic for 6-Pyruvoyl-tetrahydrobiopterin synthase deficiency. Last evaluated: 2017-10-09. Review status: no assertion criteria provided. Collection method: clinical testing. Allele origin: unknown. Not counted in ClinVar's aggregate classification.

Literature cited by the submitters: PubMed 16199547 (cited by Labcorp Genetics (formerly Invitae), Labcorp); PubMed 3297709 (cited by Labcorp Genetics (formerly Invitae), Labcorp); PubMed 16917893 (cited by Labcorp Genetics (formerly Invitae), Labcorp); PubMed 32651154 (cited by Labcorp Genetics (formerly Invitae), Labcorp).